The following is an entry in ClinVar:

ClinVar aggregate classification (germline): Pathogenic/Likely pathogenic. Review status: criteria provided, multiple submitters, no conflicts (2 of 4 stars). 2 submissions from 2 submitters: Pathogenic (1); Likely pathogenic (1). Last evaluated 2025-10-02.

Conditions:
Congenital myasthenic syndrome 2A. Also called: Myasthenic syndrome, congenital, 2a, slow-channel. Identifiers: Orphanet 590, MedGen C4225374, MONDO:0014581, OMIM 616313.

Submissions (2):

Labcorp Genetics (formerly Invitae), Labcorp
Classification: Pathogenic for Congenital myasthenic syndrome 2A. Last evaluated: 2025-10-02. Review status: criteria provided, single submitter. Criteria: Invitae Variant Classification Sherloc (09022015). Collection method: clinical testing. Allele origin: germline.
Comment: This sequence change creates a premature translational stop signal (p.Ala295Leufs*66) in the CHRNB1 gene. It is expected to result in an absent or disrupted protein product. Loss-of-function variants in CHRNB1 are known to be pathogenic (PMID: 10562302). This variant is present in population databases (rs780391043, gnomAD 0.002%). This variant has not been reported in the literature in individuals affected with CHRNB1-related conditions. ClinVar contains an entry for this variant (Variation ID: 1069201). For these reasons, this variant has been classified as Pathogenic.

Revvity Omics, Revvity
Classification: Likely pathogenic. Last evaluated: 2021-11-23. Review status: criteria provided, single submitter. Criteria: ACMG Guidelines, 2015. Collection method: clinical testing. Allele origin: germline.

Literature cited by the submitters: PubMed 10562302 (cited by Labcorp Genetics (formerly Invitae), Labcorp).

NM_000747.3(CHRNB1):c.883del (p.Ala295fs)

Gene: CHRNB1 (cholinergic receptor nicotinic beta 1 subunit; plus strand). Cytogenetic location: 17p13.1.
Variant type: Deletion.
Coding change: c.883del on transcript NM_000747.3 (MANE Select); coding-DNA position 883, one base deleted (G; older notation c.883delG).
Protein change: p.Ala295fs; shifts the reading frame from alanine 295.
Molecular consequence: frameshift variant.
Genome position (GRCh38, 1-based): chr17:7,454,359, G deleted; the last of 2 consecutive G bases (chr17:7,454,358-7,454,359); deleting either gives the same sequence. VCF-style (leftmost placement, unchanged base first): chr17-7454357-TG-T. GRCh37 (hg19) VCF-style: chr17-7357676-TG-T.
Other names: short protein forms A295fs.
Identifiers: ClinVar variation 1069201 (VCV001069201.9), dbSNP rs780391043, ClinGen allele CA8347908.
Genomic context (GRCh38, chr17:7,454,357, plus strand): 5'-GAGAGAAGATGGGGCTCTCAATCTTTGCCCTGCTGACCCTTACTGTGTTCCTGCTGCTGC[TG>T]GCTGACAAAGTACCTGAGACCTCACTATCAGTACCCATTATTATCAAGTACCTCATGTTT-3'